The following is an entry in ClinVar:

NM_206937.2(LIG4):c.856G>A (p.Asp286Asn)

Gene: LIG4 (DNA ligase 4; minus strand). Cytogenetic location: 13q33.3.
Variant type: single nucleotide variant.
Coding change: c.856G>A on transcript NM_206937.2 (MANE Select); coding-DNA position 856, G replaced by A.
Protein change: p.Asp286Asn; replaces aspartic acid 286 with asparagine.
Molecular consequence: missense variant.
Genome position (GRCh38, 1-based): chr13:108,210,413, C>T on the plus strand (G>A on the coding strand, the complement: LIG4 is on the minus strand). VCF-style: chr13-108210413-C-T. GRCh37 (hg19) VCF-style: chr13-108862761-C-T.
Other names: c.856G>A, p.Asp286Asn (NM_002312.3, NM_001098268.2, NM_001352598.2 and 6 more transcripts); c.655G>A, p.Asp219Asn (NM_001330595.2); c.892G>A, p.Asp298Asn (NM_001352604.2); short protein forms D298N, D286N, D219N.
Identifiers: ClinVar variation 947499 (VCV000947499.1), dbSNP rs1878516885, ClinGen allele CA388619617.

ClinVar aggregate classification (germline): Uncertain significance (1 of 4 stars; one submission).

Conditions:
DNA ligase IV deficiency. Identifiers: Orphanet 99812, MedGen C1847827, MONDO:0011686, OMIM 606593.

Allele frequency attached by ClinVar (database versions not stated): gnomAD exomes 0.00002.
gnomAD v4.1: 30 of 1,613,582 alleles (0.0019%); highest among the groups gnomAD compares: Non-Finnish European, 0.0025%; no homozygotes.

Submission:

Labcorp Genetics (formerly Invitae), Labcorp
Classification: Uncertain significance for Lig4 syndrome. Last evaluated: 2019-07-30. Review status: criteria provided, single submitter. Criteria: Invitae Variant Classification Sherloc (09022015). Collection method: clinical testing. Allele origin: germline.
Comment: This sequence change replaces aspartic acid with asparagine at codon 286 of the LIG4 protein (p.Asp286Asn). The aspartic acid residue is moderately conserved and there is a small physicochemical difference between aspartic acid and asparagine. This variant is not present in population databases (ExAC no frequency). This variant has not been reported in the literature in individuals with LIG4-related conditions. Algorithms developed to predict the effect of missense changes on protein structure and function output the following: SIFT: "Tolerated"; PolyPhen-2: "Benign"; Align-GVGD: "Class C0". The asparagine amino acid residue is found in multiple mammalian species, suggesting that this missense change does not adversely affect protein function. These predictions have not been confirmed by published functional studies and their clinical significance is uncertain. In summary, the available evidence is currently insufficient to determine the role of this variant in disease. Therefore, it has been classified as a Variant of Uncertain Significance.